The following is an entry in ClinVar:

ClinVar aggregate classification (germline): Uncertain significance (1 of 4 stars; one submission).

Conditions:
Mucopolysaccharidosis, MPS-III-B (MPS3B). Also called: N-ACETYL-ALPHA-D-GLUCOSAMINIDASE DEFICIENCY; NAGLU DEFICIENCY; SANFILIPPO SYNDROME B; MPS III B; Mucopolysaccharidosis type IIIB (Sanfilippo B); MPS IIIB (Sanfilippo Syndrome Type B). Identifiers: Orphanet 79270, MedGen C0086648, MONDO:0009656, OMIM 252920.
Charcot-Marie-Tooth disease axonal type 2V. Also called: CHARCOT-MARIE-TOOTH NEUROPATHY, TYPE 2V; CHARCOT-MARIE-TOOTH DISEASE, AXONAL, AUTOSOMAL DOMINANT, TYPE 2V. Identifiers: Orphanet 447964, MedGen C5569050, MONDO:0014665, OMIM 616491.

Submission:

Labcorp Genetics (formerly Invitae), Labcorp
Classification: Uncertain significance for Charcot-Marie-Tooth disease axonal type 2V; Mucopolysaccharidosis, MPS-III-B. Last evaluated: 2024-02-24. Review status: criteria provided, single submitter. Criteria: Invitae Variant Classification Sherloc (09022015). Collection method: clinical testing. Allele origin: germline.
Comment: This sequence change falls in intron 1 of the NAGLU gene. It does not directly change the encoded amino acid sequence of the NAGLU protein. It affects a nucleotide within the consensus splice site. The frequency data for this variant in the population databases is considered unreliable, as metrics indicate poor data quality at this position in the gnomAD database. This variant has not been reported in the literature in individuals affected with NAGLU-related conditions. ClinVar contains an entry for this variant (Variation ID: 1938474). Variants that disrupt the consensus splice site are a relatively common cause of aberrant splicing (PMID: 17576681, 9536098). Algorithms developed to predict the effect of sequence changes on RNA splicing suggest that this variant is not likely to affect RNA splicing. In summary, the available evidence is currently insufficient to determine the role of this variant in disease. Therefore, it has been classified as a Variant of Uncertain Significance.

Literature cited by the submitters: PubMed 17576681; PubMed 9536098.

NM_000263.4(NAGLU):c.383+6G>T

Gene: NAGLU (N-acetyl-alpha-glucosaminidase; plus strand). Cytogenetic location: 17q21.2.
Variant type: single nucleotide variant.
Coding change: c.383+6G>T on transcript NM_000263.4 (MANE Select); 6 bases into the intron after coding-DNA position 383, G replaced by T.
Molecular consequence: intron variant.
Genome position (GRCh38, 1-based): chr17:42,536,661, G>T. VCF-style: chr17-42536661-G-T. GRCh37 (hg19) VCF-style: chr17-40688679-G-T.
Identifiers: ClinVar variation 1938474 (VCV001938474.5), dbSNP rs1245100428, ClinGen allele CA626218519.